The following is an entry in ClinVar:

ClinVar aggregate classification (germline): Uncertain significance (1 of 4 stars; one submission).

Submission:

Labcorp Genetics (formerly Invitae), Labcorp
Classification: Uncertain significance. Last evaluated: 2025-08-30. Review status: criteria provided, single submitter. Criteria: Invitae Variant Classification Sherloc (09022015). Collection method: clinical testing. Allele origin: germline.
Comment: This sequence change replaces asparagine, which is neutral and polar, with aspartic acid, which is acidic and polar, at codon 647 of the ATP2C1 protein (p.Asn647Asp). This variant is not present in population databases (gnomAD no frequency). This missense change has been observed in individual(s) with Hailey-Hailey disease (PMID: 31435946). Invitae Evidence Modeling of protein sequence and biophysical properties (such as structural, functional, and spatial information, amino acid conservation, physicochemical variation, residue mobility, and thermodynamic stability) indicates that this missense variant is expected to disrupt ATP2C1 protein function with a positive predictive value of 80%. This variant disrupts the p.Asn647 amino acid residue in ATP2C1. Other variant(s) that disrupt this residue have been observed in individuals with ATP2C1-related conditions (PMID: 36922631), which suggests that this may be a clinically significant amino acid residue. In summary, the available evidence is currently insufficient to determine the role of this variant in disease. Therefore, it has been classified as a Variant of Uncertain Significance.

Literature cited by the submitters: PubMed 31435946; PubMed 36922631.

NM_001378687.1(ATP2C1):c.1939A>G (p.Asn647Asp)

Gene: ATP2C1 (ATPase secretory pathway Ca2+ transporting 1; plus strand). Cytogenetic location: 3q22.1.
Variant type: single nucleotide variant.
Coding change: c.1939A>G on transcript NM_001378687.1 (MANE Select); coding-DNA position 1939, A replaced by G.
Protein change: p.Asn647Asp; replaces asparagine 647 with aspartic acid.
Molecular consequence: missense variant.
Genome position (GRCh38, 1-based): chr3:130,993,980, A>G. VCF-style: chr3-130993980-A-G. GRCh37 (hg19) VCF-style: chr3-130712824-A-G.
Other names: c.1939A>G, p.Asn647Asp (NM_001001485.3, NM_001001486.2, NM_001001487.2 and 5 more transcripts); c.2041A>G, p.Asn681Asp (NM_001199180.2, NM_001199181.3, NM_001378511.1); c.1924A>G, p.Asn642Asp (NM_001199182.2); c.1891A>G, p.Asn631Asp (NM_001199183.2, NM_001199184.3, NM_001378514.1); short protein forms N681D, N647D, N631D, N642D.
Identifiers: ClinVar variation 4750122 (VCV004750122.1).